The following is an entry in ClinVar:

ClinVar aggregate classification (germline): Likely pathogenic (1 of 4 stars; one submission).

Submission:

CeGaT Center for Human Genetics Tuebingen
Classification: Likely pathogenic. Last evaluated: 2024-05-01. Review status: criteria provided, single submitter. Criteria: CeGaT Center For Human Genetics Tuebingen Variant Classification Criteria Version 2. Collection method: clinical testing. Allele origin: germline. Affected: yes. Observed: 1 variant allele.
Comment: CACNA1A: PVS1:Strong, PM2, PM5:Supporting

NM_001127222.2(CACNA1A):c.4250+2T>G

Genes: CACNA1A (calcium voltage-gated channel subunit alpha1 A; minus strand), LOC126862864 (MED14-independent group 3 enhancer GRCh37_chr19:13371552-13372751; plus strand). Cytogenetic location: 19p13.13.
Variant type: single nucleotide variant.
Coding change: c.4250+2T>G on transcript NM_001127222.2 (MANE Select); the canonical splice donor site of the intron after coding-DNA position 4250, T replaced by G.
Molecular consequence: splice donor variant.
Genome position (GRCh38, 1-based): chr19:13,261,448, A>C on the plus strand (T>G on the coding strand, the complement: CACNA1A is on the minus strand). VCF-style: chr19-13261448-A-C. GRCh37 (hg19) VCF-style: chr19-13372262-A-C.
Other names: c.4253+2T>G (NM_001127221.2, NM_001174080.2); c.4262+2T>G (NM_000068.4, NM_023035.3).
Identifiers: ClinVar variation 3239467 (VCV003239467.19), dbSNP rs2512759124.